The following is an entry in ClinVar:

NM_001166108.2(PALLD):c.232C>T (p.His78Tyr)

Gene: PALLD (palladin, cytoskeletal associated protein; plus strand). Cytogenetic location: 4q32.3.
Variant type: single nucleotide variant.
Coding change: c.232C>T on transcript NM_001166108.2 (MANE Select); coding-DNA position 232, C replaced by T.
Protein change: p.His78Tyr; replaces histidine 78 with tyrosine.
Molecular consequence: missense variant.
Genome position (GRCh38, 1-based): chr4:168,511,736, C>T. VCF-style: chr4-168511736-C-T. GRCh37 (hg19) VCF-style: chr4-169432887-C-T.
Other names: c.232C>T, p.His78Tyr (NM_016081.4); c.232C>T (NM_016081.3); short protein forms H78Y.
Identifiers: ClinVar variation 1695116 (VCV001695116.33), dbSNP rs140236743, ClinGen allele CA3135323.

ClinVar aggregate classification (germline): Conflicting classifications of pathogenicity. Review status: criteria provided, conflicting classifications (1 of 4 stars). 2 submissions from 2 submitters: Uncertain significance (1); Likely benign (1). Last evaluated 2025-08-01.

Allele frequency attached by ClinVar (database versions not stated): gnomAD exomes 0.00001 and 0.00004; gnomAD 0.00004; ExAC 0.00005; TOPMed 0.00007; ESP Exome Variant Server 0.00008; 1000 Genomes Project 0.00020; 1000 Genomes Project 30x 0.00031.
gnomAD v4.1: 29 of 1,614,188 alleles (0.0018%); highest among the groups gnomAD compares: Admixed American, 0.012%; no homozygotes.

Submissions (2):

CeGaT Center for Human Genetics Tuebingen
Classification: Likely benign. Last evaluated: 2025-08-01. Review status: criteria provided, single submitter. Criteria: CeGaT Center For Human Genetics Tuebingen Variant Classification Criteria Version 2. Collection method: clinical testing. Allele origin: germline. Affected: yes. Observed: 2 variant alleles.
Comment: PALLD: BP4

Ambry Genetics
Classification: Uncertain significance. Last evaluated: 2023-02-24. Review status: criteria provided, single submitter. Criteria: Ambry Variant Classification Scheme 2023. Collection method: clinical testing. Allele origin: germline.
Comment: The p.H78Y variant (also known as c.232C>T), located in coding exon 1 of the PALLD gene, results from a C to T substitution at nucleotide position 232. The histidine at codon 78 is replaced by tyrosine, an amino acid with similar properties. This amino acid position is conserved. In addition, this alteration is predicted to be tolerated by in silico analysis. Since supporting evidence is limited at this time, the clinical significance of this alteration remains unclear.